The following is an entry in ClinVar:

ClinVar aggregate classification (germline): Uncertain significance. Review status: criteria provided, multiple submitters, no conflicts (2 of 4 stars). 2 submissions from 2 submitters: Uncertain significance (2). Last evaluated 2025-11-29.

Conditions:
Oligodontia-cancer predisposition syndrome. Also called: TOOTH AGENESIS-COLORECTAL CANCER SYNDROME. Identifiers: Orphanet 300576, MedGen C1837750, MONDO:0012075, OMIM 608615. Disease mechanism: loss of function.
Hereditary cancer-predisposing syndrome. Also called: Tumor predisposition; Hereditary neoplastic syndrome; Neoplastic Syndromes, Hereditary; Hereditary Cancer Syndrome. Identifiers: Orphanet 140162, MedGen C0027672, MeSH D009386, MONDO:0015356.

Allele frequency attached by ClinVar (database versions not stated): gnomAD below 0.00001 and 0.00001.
gnomAD v4.1: 5 of 1,613,726 alleles (0.00031%); highest among the groups gnomAD compares: South Asian, 0.0055%; no homozygotes.

Submissions (2):

Ambry Genetics
Classification: Uncertain significance for Hereditary cancer-predisposing syndrome. Last evaluated: 2025-11-29. Review status: criteria provided, single submitter. Criteria: Ambry Variant Classification Scheme 2023. Collection method: clinical testing. Allele origin: germline.
Comment: The p.R538G variant (also known as c.1612C>G), located in coding exon 5 of the AXIN2 gene, results from a C to G substitution at nucleotide position 1612. The arginine at codon 538 is replaced by glycine, an amino acid with dissimilar properties. This amino acid position is conserved. In addition, the in silico prediction for this alteration is inconclusive. Based on the available evidence, the clinical significance of this variant remains unclear.

Labcorp Genetics (formerly Invitae), Labcorp
Classification: Uncertain significance for Oligodontia-cancer predisposition syndrome. Last evaluated: 2019-03-29. Review status: criteria provided, single submitter. Criteria: Invitae Variant Classification Sherloc (09022015). Collection method: clinical testing. Allele origin: germline.
Comment: In summary, the available evidence is currently insufficient to determine the role of this variant in disease. Therefore, it has been classified as a Variant of Uncertain Significance. Algorithms developed to predict the effect of missense changes on protein structure and function are either unavailable or do not agree on the potential impact of this missense change (SIFT: "Deleterious"; PolyPhen-2: "Possibly Damaging"; Align-GVGD: "Class C0"). This variant has not been reported in the literature in individuals with AXIN2-related conditions. This variant is present in population databases (rs761539571, ExAC 0.006%). This sequence change replaces arginine with glycine at codon 538 of the AXIN2 protein (p.Arg538Gly). The arginine residue is highly conserved and there is a moderate physicochemical difference between arginine and glycine.

NM_004655.4(AXIN2):c.1612C>G (p.Arg538Gly)

Gene: AXIN2 (axin 2; minus strand). Cytogenetic location: 17q24.1.
Variant type: single nucleotide variant.
Coding change: c.1612C>G on transcript NM_004655.4 (MANE Select); coding-DNA position 1612, C replaced by G.
Protein change: p.Arg538Gly; replaces arginine 538 with glycine.
Molecular consequence: missense variant.
Genome position (GRCh38, 1-based): chr17:65,537,424, G>C on the plus strand (C>G on the coding strand, the complement: AXIN2 is on the minus strand). VCF-style: chr17-65537424-G-C. GRCh37 (hg19) VCF-style: chr17-63533542-G-C.
Other names: c.1612C>G, p.Arg538Gly (NM_001363813.1); short protein forms R538G.
Identifiers: ClinVar variation 860130 (VCV000860130.10), dbSNP rs761539571, ClinGen allele CA8718602.